The following is an entry in ClinVar:

ClinVar aggregate classification (germline): Uncertain significance (1 of 4 stars; one submission).

Conditions:
Ciliary dyskinesia, primary, 40. Also called: CILIARY DYSKINESIA, PRIMARY, 40, WITH OR WITHOUT SITUS INVERSUS. Identifiers: MedGen C4749028, MONDO:0032664, OMIM 618300.

gnomAD v4.1: 13 of 1,614,030 alleles (0.00081%); highest among the groups gnomAD compares: Admixed American, 0.0083%; no homozygotes.

Submission:

3billion
Classification: Uncertain significance for Ciliary dyskinesia, primary, 40. Last evaluated: 2024-12-19. Review status: criteria provided, single submitter. Criteria: ACMG Guidelines, 2015. Collection method: clinical testing. Allele origin: germline. Affected: yes.
Comment: The variant is observed at an extremely low frequency in the gnomAD v4.1.0 dataset (total allele frequency: <0.001%). Predicted Consequence/Location: Missense variant. The majority of the known disease-causing variants of this gene are variants expected to result in premature termination of the protein. Damaging effect on gene or gene product predicted by in silico programs is uncertain [REVEL: 0.46 (damaging >=0.6, benign <0.4), 3Cnet: 0.46 (damaging >=0.6, benign <0.15)]. Therefore, this variant is classified as VUS according to the recommendation of ACMG/AMP guideline.

NM_001372.4(DNAH9):c.5438G>C (p.Arg1813Pro)

Gene: DNAH9 (dynein axonemal heavy chain 9; plus strand). Cytogenetic location: 17p12.
Variant type: single nucleotide variant.
Coding change: c.5438G>C on transcript NM_001372.4 (MANE Select); coding-DNA position 5438, G replaced by C.
Protein change: p.Arg1813Pro; replaces arginine 1813 with proline.
Molecular consequence: missense variant.
Genome position (GRCh38, 1-based): chr17:11,705,071, G>C. VCF-style: chr17-11705071-G-C. GRCh37 (hg19) VCF-style: chr17-11608388-G-C.
Other names: short protein forms R1813P.
Identifiers: ClinVar variation 4293534 (VCV004293534.1).